The following is an entry in ClinVar:

NM_006343.3(MERTK):c.2510G>A (p.Trp837Ter)

Gene: MERTK (MER proto-oncogene, tyrosine kinase; plus strand). Cytogenetic location: 2q13.
Variant type: single nucleotide variant.
Coding change: c.2510G>A on transcript NM_006343.3 (MANE Select); coding-DNA position 2510, G replaced by A.
Protein change: p.Trp837Ter; replaces tryptophan 837 with a stop codon.
Molecular consequence: nonsense.
Genome position (GRCh38, 1-based): chr2:112,028,374, G>A. VCF-style: chr2-112028374-G-A. GRCh37 (hg19) VCF-style: chr2-112785951-G-A.
Other names: short protein forms W837*.
Identifiers: ClinVar variation 3670964 (VCV003670964.2).

ClinVar aggregate classification (germline): Pathogenic (1 of 4 stars; one submission).

gnomAD v4.1: 1 of 1,614,146 alleles (0.000062%); highest among the groups gnomAD compares: Non-Finnish European, 0.000085%; no homozygotes.

Submission:

Labcorp Genetics (formerly Invitae), Labcorp
Classification: Pathogenic. Last evaluated: 2024-09-16. Review status: criteria provided, single submitter. Criteria: Invitae Variant Classification Sherloc (09022015). Collection method: clinical testing. Allele origin: germline.
Comment: This sequence change creates a premature translational stop signal (p.Trp837*) in the MERTK gene. While this is not anticipated to result in nonsense mediated decay, it is expected to disrupt the last 163 amino acid(s) of the MERTK protein. This variant is not present in population databases (gnomAD no frequency). This variant has not been reported in the literature in individuals affected with MERTK-related conditions. Algorithms developed to predict the effect of sequence changes on RNA splicing suggest that this variant may disrupt the consensus splice site. This variant disrupts a region of the MERTK protein in which other variant(s) (p.Glu859Valfs*36) have been determined to be pathogenic (internal data). This suggests that this is a clinically significant region of the protein, and that variants that disrupt it are likely to be disease-causing. For these reasons, this variant has been classified as Pathogenic.